The following is an entry in ClinVar:

ClinVar aggregate classification (germline): Likely benign (1 of 4 stars; one submission).

Allele frequency attached by ClinVar (database versions not stated): gnomAD exomes 0.00016; ExAC 0.00071; 1000 Genomes Project 30x 0.00141; ESP Exome Variant Server 0.00156; 1000 Genomes Project 0.00180; gnomAD 0.00188.
gnomAD v4.1: 522 of 1,595,098 alleles (0.033%); highest among the groups gnomAD compares: African/African-American, 0.65%; 3 homozygotes.

Submission:

CeGaT Center for Human Genetics Tuebingen
Classification: Likely benign. Last evaluated: 2022-10-01. Review status: criteria provided, single submitter. Criteria: CeGaT Center For Human Genetics Tuebingen Variant Classification Criteria Version 2. Collection method: clinical testing. Allele origin: germline. Affected: yes. Observed: 1 variant allele.
Comment: EFR3A: BP4, BP7

NM_015137.6(EFR3A):c.15A>G (p.Val5=)

Gene: EFR3A (EFR3 homolog A; plus strand). Cytogenetic location: 8q24.22.
Variant type: single nucleotide variant.
Coding change: c.15A>G on transcript NM_015137.6 (MANE Select); coding-DNA position 15, A replaced by G.
Protein change: p.Val5=; no amino-acid change (valine 5 retained).
Molecular consequence: synonymous variant. On other transcripts: 5 prime UTR variant (5), non-coding transcript variant (2).
Genome position (GRCh38, 1-based): chr8:131,940,503, A>G. VCF-style: chr8-131940503-A-G. GRCh37 (hg19) VCF-style: chr8-132952750-A-G.
Other names: c.-163A>G (NM_001323553.2, NM_001323555.2, NM_001323557.2); c.-94A>G (NM_001323554.2, NM_001323556.2); c.15A>G, p.Val5= (NM_001323558.2).
Identifiers: ClinVar variation 2658818 (VCV002658818.24), dbSNP rs368929215, ClinGen allele CA4878637.
Genomic context (GRCh38, chr8:131,940,503, plus strand): 5'-GGCCTGTTTACAATATTAATAATATCTGTATTTCTTGATTTTTTTTTTTTTAACAGGAGT[A>G]TGCTGCTGCTGTTCCGCTTTGCGTCCTCGCTACAAACGCCTGGTGGACAACATATTCCCT-3'
Protein context (NP_055952.2, residues 1-15): MPTR[Val5=]CCCCSALRPR